The following is an entry in ClinVar:

ClinVar aggregate classification (germline): Uncertain significance (1 of 4 stars; one submission).

Allele frequency attached by ClinVar (database versions not stated): gnomAD 0.00001; TOPMed 0.00001.

Submission:

Labcorp Genetics (formerly Invitae), Labcorp
Classification: Uncertain significance. Last evaluated: 2022-04-06. Review status: criteria provided, single submitter. Criteria: Invitae Variant Classification Sherloc (09022015). Collection method: clinical testing. Allele origin: germline.
Comment: This sequence change replaces alanine, which is neutral and non-polar, with valine, which is neutral and non-polar, at codon 141 of the GNPTG protein (p.Ala141Val). This variant is present in population databases (rs756379978, gnomAD 0.004%). This variant has not been reported in the literature in individuals affected with GNPTG-related conditions. Algorithms developed to predict the effect of missense changes on protein structure and function (SIFT, PolyPhen-2, Align-GVGD) all suggest that this variant is likely to be tolerated. Algorithms developed to predict the effect of sequence changes on RNA splicing suggest that this variant may create or strengthen a splice site. In summary, the available evidence is currently insufficient to determine the role of this variant in disease. Therefore, it has been classified as a Variant of Uncertain Significance.

NM_032520.5(GNPTG):c.422C>T (p.Ala141Val)

Gene: GNPTG (N-acetylglucosamine-1-phosphate transferase subunit gamma; plus strand). Cytogenetic location: 16p13.3.
Variant type: single nucleotide variant.
Coding change: c.422C>T on transcript NM_032520.5 (MANE Select); coding-DNA position 422, C replaced by T.
Protein change: p.Ala141Val; replaces alanine 141 with valine.
Molecular consequence: missense variant.
Genome position (GRCh38, 1-based): chr16:1,362,216, C>T. VCF-style: chr16-1362216-C-T. GRCh37 (hg19) VCF-style: chr16-1412217-C-T.
Other names: short protein forms A141V.
Identifiers: ClinVar variation 2050017 (VCV002050017.1), dbSNP rs756379978, ClinGen allele CA7807700.
Genomic context (GRCh38, chr16:1,362,216, plus strand): 5'-GAAGAGGGGCCCCAGTCTCCCCAACCCACCTACCCACGTTCCCTCCCCAGGTGGAGCTGG[C>T]GTGTGGAAAAAGCAACCGGCTGGCCCATGTGTCCGAGCCGAGCACCTGCGTCTACGCGCT-3'
Protein context (NP_115909.1, residues 131-151): SRSRQSKVEL[Ala141Val]CGKSNRLAHV